The following is an entry in ClinVar:

ClinVar aggregate classification (germline): Uncertain significance (1 of 4 stars; one submission).

Allele frequency attached by ClinVar (database versions not stated): gnomAD 0.00001; gnomAD exomes 0.00001; ExAC 0.00002.

Submission:

Labcorp Genetics (formerly Invitae), Labcorp
Classification: Uncertain significance. Last evaluated: 2023-05-04. Review status: criteria provided, single submitter. Criteria: Invitae Variant Classification Sherloc (09022015). Collection method: clinical testing. Allele origin: germline.
Comment: This sequence change replaces serine, which is neutral and polar, with leucine, which is neutral and non-polar, at codon 1151 of the CTR9 protein (p.Ser1151Leu). In summary, the available evidence is currently insufficient to determine the role of this variant in disease. Therefore, it has been classified as a Variant of Uncertain Significance. An algorithm developed to predict the effect of missense changes on protein structure and function (PolyPhen-2) suggests that this variant is likely to be tolerated. ClinVar contains an entry for this variant (Variation ID: 1002796). This variant has not been reported in the literature in individuals affected with CTR9-related conditions. This variant is present in population databases (rs754443800, gnomAD 0.004%).

NM_014633.5(CTR9):c.3452C>T (p.Ser1151Leu)

Gene: CTR9 (CTR9 component of Paf1/RNA polymerase II complex; plus strand). Cytogenetic location: 11p15.4.
Variant type: single nucleotide variant.
Coding change: c.3452C>T on transcript NM_014633.5 (MANE Select); coding-DNA position 3452, C replaced by T.
Protein change: p.Ser1151Leu; replaces serine 1151 with leucine.
Molecular consequence: missense variant.
Genome position (GRCh38, 1-based): chr11:10,779,035, C>T. VCF-style: chr11-10779035-C-T. GRCh37 (hg19) VCF-style: chr11-10800582-C-T.
Other names: c.3380C>T, p.Ser1127Leu (NM_001346279.2); short protein forms S1127L, S1151L.
Identifiers: ClinVar variation 1002796 (VCV001002796.8), dbSNP rs754443800, ClinGen allele CA5885594.